The following is an entry in ClinVar:

ClinVar aggregate classification (germline): Uncertain significance. Review status: criteria provided, multiple submitters, no conflicts (2 of 4 stars). 2 submissions from 2 submitters: Uncertain significance (2). Last evaluated 2026-03-01.

Submissions (2):

CeGaT Center for Human Genetics Tuebingen
Classification: Uncertain significance. Last evaluated: 2026-03-01. Review status: criteria provided, single submitter. Criteria: CeGaT Center For Human Genetics Tuebingen Variant Classification Criteria Version 2. Collection method: clinical testing. Allele origin: germline. Affected: yes. Observed: 1 variant allele.
Comment: PACS2: PM4:Supporting

Labcorp Genetics (formerly Invitae), Labcorp
Classification: Uncertain significance. Last evaluated: 2025-08-10. Review status: criteria provided, single submitter. Criteria: Invitae Variant Classification Sherloc (09022015). Collection method: clinical testing. Allele origin: germline.
Comment: This variant, c.290_292del, results in the deletion of 1 amino acid(s) of the PACS2 protein (p.Ser97del), but otherwise preserves the integrity of the reading frame. This variant is present in population databases (rs782429503, gnomAD 0.002%). This variant has not been reported in the literature in individuals affected with PACS2-related conditions. Experimental studies and prediction algorithms are not available or were not evaluated, and the functional significance of this variant is currently unknown. In summary, the available evidence is currently insufficient to determine the role of this variant in disease. Therefore, it has been classified as a Variant of Uncertain Significance.

NM_001100913.3(PACS2):c.290_292del (p.Ser97del)

Gene: PACS2 (phosphofurin acidic cluster sorting protein 2; plus strand). Cytogenetic location: 14q32.33.
Variant type: Deletion.
Coding change: c.290_292del on transcript NM_001100913.3 (MANE Select); coding-DNA positions 290 to 292, 3 bases deleted (CCT; older notation c.290_292delCCT).
Protein change: p.Ser97del; deletes serine 97.
Molecular consequence: inframe deletion.
Genome position (GRCh38, 1-based): chr14:105,352,460-105,352,462, CCT deleted; deleting any 3 consecutive bases within chr14:105,352,458-105,352,462 gives the same sequence; the c. name uses the placement nearest the transcript's 3' end. VCF-style (leftmost placement, unchanged base first): chr14-105352457-TCTC-T. GRCh37 (hg19) VCF-style: chr14-105818794-TCTC-T.
Other names: c.89_91del, p.Ser30del (NM_001243127.3); c.290_292del, p.Ser97del (NM_015197.4); short protein forms S30del, S97del.
Identifiers: ClinVar variation 4692195 (VCV004692195.5).